The following is an entry in ClinVar:

ClinVar aggregate classification (germline): Uncertain significance (1 of 4 stars; one submission).

Conditions:
Duchenne muscular dystrophy (DMD). Also called: Duchenne Muscular Dystrophy (DMD); MUSCULAR DYSTROPHY, PSEUDOHYPERTROPHIC PROGRESSIVE, DUCHENNE TYPE. Identifiers: Orphanet 98896, MedGen C0013264, MONDO:0010679, OMIM 310200.

Submission:

Labcorp Genetics (formerly Invitae), Labcorp
Classification: Uncertain significance for Duchenne muscular dystrophy. Last evaluated: 2024-12-26. Review status: criteria provided, single submitter. Criteria: Invitae Variant Classification Sherloc (09022015). Collection method: clinical testing. Allele origin: germline.
Comment: This sequence change falls in intron 24 of the DMD gene. It does not directly change the encoded amino acid sequence of the DMD protein. It affects a nucleotide within the consensus splice site. This variant is not present in population databases (gnomAD no frequency). This variant has not been reported in the literature in individuals affected with DMD-related conditions. Variants that disrupt the consensus splice site are a relatively common cause of aberrant splicing (PMID: 17576681, 9536098). Algorithms developed to predict the effect of sequence changes on RNA splicing suggest that this variant may disrupt the consensus splice site. In summary, the available evidence is currently insufficient to determine the role of this variant in disease. Therefore, it has been classified as a Variant of Uncertain Significance.

Literature cited by the submitters: PubMed 17576681; PubMed 9536098.

NM_004006.3(DMD):c.3276+5G>A

Gene: DMD (dystrophin; minus strand). Cytogenetic location: Xp21.1.
Variant type: single nucleotide variant.
Coding change: c.3276+5G>A on transcript NM_004006.3 (MANE Select); 5 bases into the intron after coding-DNA position 3276, G replaced by A.
Molecular consequence: intron variant.
Genome position (GRCh38, 1-based): chrX:32,464,581, C>T on the plus strand (G>A on the coding strand, the complement: DMD is on the minus strand). VCF-style: chrX-32464581-C-T. GRCh37 (hg19) VCF-style: chrX-32482698-C-T.
Other names: c.3252+5G>A (NM_000109.4); c.3264+5G>A (NM_004009.3); c.2907+5G>A (NM_004010.3).
Identifiers: ClinVar variation 3728091 (VCV003728091.2).
Genomic context (GRCh38, chrX:32,464,581, plus strand): 5'-CTGATCTAACCAAATAATATTCATACAAAATTATTCATATTAAAGGCATCATATAAAAAT[C>T]TTACTCTGCACTGTTTCAGCTGCTTTTTTAGAATTTCTGAATCCCCAAGGGCAGGCCATT-3'